The following is an entry in ClinVar:

ClinVar aggregate classification (germline): Likely benign (1 of 4 stars; one submission).

Allele frequency attached by ClinVar (database versions not stated): 1000 Genomes Project 30x 0.00047; 1000 Genomes Project 0.00060; TOPMed 0.00061; gnomAD 0.00070; ExAC 0.00093; ESP Exome Variant Server 0.00115; gnomAD exomes 0.00124.
gnomAD v4.1: 1,848 of 1,578,734 alleles (0.12%); highest among the groups gnomAD compares: Non-Finnish European, 0.15%; 2 homozygotes.

Submission:

CeGaT Center for Human Genetics Tuebingen
Classification: Likely benign. Last evaluated: 2022-09-01. Review status: criteria provided, single submitter. Criteria: CeGaT Center For Human Genetics Tuebingen Variant Classification Criteria Version 2. Collection method: clinical testing. Allele origin: germline. Affected: yes. Observed: 1 variant allele.
Comment: LRP1B: BP4, BP7

NM_018557.3(LRP1B):c.5457T>C (p.Ser1819=)

Gene: LRP1B (LDL receptor related protein 1B; minus strand). Cytogenetic location: 2q22.1.
Variant type: single nucleotide variant.
Coding change: c.5457T>C on transcript NM_018557.3 (MANE Select); coding-DNA position 5457, T replaced by C.
Protein change: p.Ser1819=; no amino-acid change (serine 1819 retained).
Molecular consequence: synonymous variant.
Genome position (GRCh38, 1-based): chr2:140,776,141, A>G on the plus strand (T>C on the coding strand, the complement: LRP1B is on the minus strand). VCF-style: chr2-140776141-A-G. GRCh37 (hg19) VCF-style: chr2-141533710-A-G.
Identifiers: ClinVar variation 2651389 (VCV002651389.24), dbSNP rs150513709, ClinGen allele CA1894906.
Genomic context (GRCh38, chr2:140,776,141, plus strand): 5'-TCATTAGTGTGATTTACCTTGCTGTGCTTCTTTATCATAGACTTTCATATGAACTACCCC[A>G]GAAGTCTTATTCCGTAGGATGGTGGGGTTTCTTCCGTCTCTTTTGCTGCAGGTTCCTAGC-3'
Protein context (NP_061027.2, residues 1809-1829): RNPTILRNKT[Ser1819=]GVVHMKVYDK